The following is an entry in ClinVar:

NM_015061.6(KDM4C):c.231C>T (p.Val77=)

Gene: KDM4C (lysine demethylase 4C; plus strand). Cytogenetic location: 9p24.1.
Variant type: single nucleotide variant.
Coding change: c.231C>T on transcript NM_015061.6 (MANE Select); coding-DNA position 231, C replaced by T.
Protein change: p.Val77=; no amino-acid change (valine 77 retained).
Molecular consequence: synonymous variant. On other transcripts: 5 prime UTR variant (3), non-coding transcript variant (5), intron variant (1).
Genome position (GRCh38, 1-based): chr9:6,805,685, C>T. VCF-style: chr9-6805685-C-T. GRCh37 (hg19) VCF-style: chr9-6805685-C-T.
Other names: c.-1218C>T (NM_001354000.3); c.-2005C>T (NM_001354001.3, NM_001353999.3); c.-223-8946C>T (NM_001304340.4); c.231C>T, p.Val77= (NM_001146695.4, NM_001304339.4, NM_001304341.4 and 2 more transcripts); c.297C>T, p.Val99= (NM_001146696.2).
Identifiers: ClinVar variation 2659062 (VCV002659062.24), dbSNP rs572148797, ClinGen allele CA4981510.
Genomic context (GRCh38, chr9:6,805,685, plus strand): 5'-AAGACAGTGCTATGATGACATTGATAATTTGCTCATTCCAGCACCAATTCAGCAGATGGT[C>T]ACAGGGCAGTCAGGACTGTTCACTCAGTACAACATCCAGAAAAAAGCGATGACTGTGAAG-3'
Protein context (NP_055876.2, residues 67-87): LLIPAPIQQM[Val77=]TGQSGLFTQY

ClinVar aggregate classification (germline): Likely benign (1 of 4 stars; one submission).

Allele frequency attached by ClinVar (database versions not stated): gnomAD 0.00003; gnomAD exomes 0.00004; TOPMed 0.00004; ExAC 0.00009; 1000 Genomes Project 30x 0.00016; 1000 Genomes Project 0.00020.
gnomAD v4.1: 65 of 1,614,020 alleles (0.004%); highest among the groups gnomAD compares: Middle Eastern, 0.049%; no homozygotes.

Submission:

CeGaT Center for Human Genetics Tuebingen
Classification: Likely benign. Last evaluated: 2022-05-01. Review status: criteria provided, single submitter. Criteria: CeGaT Center For Human Genetics Tuebingen Variant Classification Criteria Version 2. Collection method: clinical testing. Allele origin: germline. Affected: yes. Observed: 2 variant alleles.
Comment: KDM4C: BP4, BP7